The following is an entry in ClinVar:

NM_014908.4(DOLK):c.325C>A (p.Arg109Ser)

Gene: DOLK (dolichol kinase; minus strand). Cytogenetic location: 9q34.11.
Variant type: single nucleotide variant.
Coding change: c.325C>A on transcript NM_014908.4 (MANE Select); coding-DNA position 325, C replaced by A.
Protein change: p.Arg109Ser; replaces arginine 109 with serine.
Molecular consequence: missense variant.
Genome position (GRCh38, 1-based): chr9:128,946,979, G>T on the plus strand (C>A on the coding strand, the complement: DOLK is on the minus strand). VCF-style: chr9-128946979-G-T. GRCh37 (hg19) VCF-style: chr9-131709258-G-T.
Other names: c.325C>A (NM_014908.3); short protein forms R109S.
Identifiers: ClinVar variation 1513439 (VCV001513439.8), dbSNP rs755188614, ClinGen allele CA5271767.
Genomic context (GRCh38, chr9:128,946,979, plus strand): 5'-CCAACACTGATGAGAAGAGGGCCACTGCCATGCCAGTGGCTGCCACCACAATGCCAAAAC[G>T]CTCAAAGAACGGGTTCCCAGCAGTCTGGCACCGCTCCTTCATGACTAGTCCAAGCAAAGG-3'
Protein context (NP_055723.1, residues 99-119): CQTAGNPFFE[Arg109Ser]FGIVVAATGM

ClinVar aggregate classification (germline): Uncertain significance. Review status: criteria provided, multiple submitters, no conflicts (2 of 4 stars). 2 submissions from 2 submitters: Uncertain significance (2). Last evaluated 2022-11-02.

Conditions:
Cardiovascular phenotype. Identifiers: MedGen CN230736.
DK1-congenital disorder of glycosylation. Also called: DOLK-congenital disorder of glycosylation; Carbohydrate deficient glycoprotein syndrome type 1m; CDG Im; DK1 DEFICIENCY; DOLICHOL KINASE DEFICIENCY; DK1-CDG. Identifiers: Orphanet 91131, MedGen C1835849, MONDO:0012556, OMIM 610768.

Allele frequency attached by ClinVar (database versions not stated): ExAC 0.00002.

Submissions (2):

Ambry Genetics
Classification: Uncertain significance for Cardiovascular phenotype. Last evaluated: 2022-11-02. Review status: criteria provided, single submitter. Criteria: Ambry Variant Classification Scheme 2023. Collection method: clinical testing. Allele origin: germline.
Comment: The p.R109S variant (also known as c.325C>A), located in coding exon 1 of the DOLK gene, results from a C to A substitution at nucleotide position 325. The arginine at codon 109 is replaced by serine, an amino acid with dissimilar properties. This amino acid position is highly conserved in available vertebrate species. In addition, this alteration is predicted to be deleterious by in silico analysis. Since supporting evidence is limited at this time, the clinical significance of this alteration remains unclear.

Labcorp Genetics (formerly Invitae), Labcorp
Classification: Uncertain significance for DK1-congenital disorder of glycosylation. Last evaluated: 2022-03-23. Review status: criteria provided, single submitter. Criteria: Invitae Variant Classification Sherloc (09022015). Collection method: clinical testing. Allele origin: germline.
Comment: In summary, the available evidence is currently insufficient to determine the role of this variant in disease. Therefore, it has been classified as a Variant of Uncertain Significance. Algorithms developed to predict the effect of missense changes on protein structure and function are either unavailable or do not agree on the potential impact of this missense change (SIFT: "Tolerated"; PolyPhen-2: "Probably Damaging"; Align-GVGD: "Class C0"). This variant has not been reported in the literature in individuals affected with DOLK-related conditions. This variant is present in population databases (rs755188614, gnomAD 0.03%). This sequence change replaces arginine, which is basic and polar, with serine, which is neutral and polar, at codon 109 of the DOLK protein (p.Arg109Ser).